The following is an entry in ClinVar:

ClinVar aggregate classification (germline): Benign (1 of 4 stars; one submission).

Allele frequency attached by ClinVar (database versions not stated): gnomAD 0.42040 and 0.42275; TOPMed 0.44289; 1000 Genomes Project 0.51577; 1000 Genomes Project 30x 0.51936.
gnomAD v4.1: 64,051 of 151,978 alleles (42%); highest among the groups gnomAD compares: East Asian, 67%; 15,176 homozygotes.

Submission:

GeneDx
Classification: Benign. Last evaluated: 2018-06-19. Review status: criteria provided, single submitter. Criteria: GeneDx Variant Classification (06012015). Collection method: clinical testing. Allele origin: germline. Affected: yes.
Comment: This variant is considered likely benign or benign based on one or more of the following criteria: it is a conservative change, it occurs at a poorly conserved position in the protein, it is predicted to be benign by multiple in silico algorithms, and/or has population frequency not consistent with disease.

NM_001080477.4(TENM3):c.1834+208C>G

Gene: TENM3 (teneurin transmembrane protein 3; plus strand). Cytogenetic location: 4q35.1.
Variant type: single nucleotide variant.
Coding change: c.1834+208C>G on transcript NM_001080477.4 (MANE Select); 208 bases into the intron after coding-DNA position 1834, C replaced by G.
Molecular consequence: intron variant.
Genome position (GRCh38, 1-based): chr4:182,680,945, C>G. VCF-style: chr4-182680945-C-G. GRCh37 (hg19) VCF-style: chr4-183602098-C-G.
Identifiers: ClinVar variation 667657 (VCV000667657.1), dbSNP rs4862081, ClinGen allele CA11741166.